The following is an entry in ClinVar:

ClinVar aggregate classification (germline): Uncertain significance (1 of 4 stars; one submission).

Conditions:
Hereditary cancer-predisposing syndrome. Also called: Tumor predisposition; Hereditary neoplastic syndrome; Hereditary Cancer Syndrome; Neoplastic Syndromes, Hereditary. Identifiers: Orphanet 140162, MedGen C0027672, MeSH D009386, MONDO:0015356.

Submission:

Ambry Genetics
Classification: Uncertain significance for Hereditary cancer-predisposing syndrome. Last evaluated: 2024-03-03. Review status: criteria provided, single submitter. Criteria: Ambry Variant Classification Scheme 2023. Collection method: clinical testing. Allele origin: germline.
Comment: The p.D299A variant (also known as c.896A>C), located in coding exon 2 of the AXIN2 gene, results from an A to C substitution at nucleotide position 896. The aspartic acid at codon 299 is replaced by alanine, an amino acid with dissimilar properties. This amino acid position is conserved. In addition, this alteration is predicted to be deleterious by in silico analysis. Based on the available evidence, the clinical significance of this alteration remains unclear.

NM_004655.4(AXIN2):c.896A>C (p.Asp299Ala)

Gene: AXIN2 (axin 2; minus strand). Cytogenetic location: 17q24.1.
Variant type: single nucleotide variant.
Coding change: c.896A>C on transcript NM_004655.4 (MANE Select); coding-DNA position 896, A replaced by C.
Protein change: p.Asp299Ala; replaces aspartic acid 299 with alanine.
Molecular consequence: missense variant.
Genome position (GRCh38, 1-based): chr17:65,549,580, T>G on the plus strand (A>C on the coding strand, the complement: AXIN2 is on the minus strand). VCF-style: chr17-65549580-T-G. GRCh37 (hg19) VCF-style: chr17-63545698-T-G.
Other names: c.896A>C, p.Asp299Ala (NM_001363813.1); short protein forms D299A.
Identifiers: ClinVar variation 3224417 (VCV003224417.1), dbSNP rs2144538696, ClinGen allele CA400679548.